The following is an entry in ClinVar:

ClinVar aggregate classification (germline): Uncertain significance. Review status: criteria provided, multiple submitters, no conflicts (2 of 4 stars). 2 submissions from 2 submitters: Uncertain significance (2). Last evaluated 2022-07-30.

Conditions:
Inborn genetic diseases. Identifiers: MedGen C0950123, MeSH D030342.

Allele frequency attached by ClinVar (database versions not stated): ExAC 0.00001; gnomAD 0.00001; gnomAD exomes 0.00001 and 0.00002; TOPMed 0.00001.
gnomAD v4.1: 8 of 1,613,646 alleles (0.0005%); highest among the groups gnomAD compares: Admixed American, 0.013%; no homozygotes.

Submissions (2):

Labcorp Genetics (formerly Invitae), Labcorp
Classification: Uncertain significance. Last evaluated: 2022-07-30. Review status: criteria provided, single submitter. Criteria: Invitae Variant Classification Sherloc (09022015). Collection method: clinical testing. Allele origin: germline.
Comment: This sequence change replaces methionine, which is neutral and non-polar, with isoleucine, which is neutral and non-polar, at codon 345 of the TPP1 protein (p.Met345Ile). This variant is present in population databases (rs760406360, gnomAD 0.01%). This variant has not been reported in the literature in individuals affected with TPP1-related conditions. ClinVar contains an entry for this variant (Variation ID: 1045278). Advanced modeling of protein sequence and biophysical properties (such as structural, functional, and spatial information, amino acid conservation, physicochemical variation, residue mobility, and thermodynamic stability) performed at Invitae indicates that this missense variant is expected to disrupt TPP1 protein function. In summary, the available evidence is currently insufficient to determine the role of this variant in disease. Therefore, it has been classified as a Variant of Uncertain Significance.

Ambry Genetics
Classification: Uncertain significance for Inborn genetic diseases. Last evaluated: 2021-10-26. Review status: criteria provided, single submitter. Criteria: Ambry Variant Classification Scheme 2023. Collection method: clinical testing. Allele origin: germline.

NM_000391.4(TPP1):c.1035G>A (p.Met345Ile)

Gene: TPP1 (tripeptidyl peptidase 1; minus strand). Cytogenetic location: 11p15.4.
Variant type: single nucleotide variant.
Coding change: c.1035G>A on transcript NM_000391.4 (MANE Select); coding-DNA position 1035, G replaced by A.
Protein change: p.Met345Ile; replaces methionine 345 with isoleucine.
Molecular consequence: missense variant.
Genome position (GRCh38, 1-based): chr11:6,616,355, C>T on the plus strand (G>A on the coding strand, the complement: TPP1 is on the minus strand). VCF-style: chr11-6616355-C-T. GRCh37 (hg19) VCF-style: chr11-6637586-C-T.
Other names: c.1035G>A (NM_000391.3); short protein forms M345I.
Identifiers: ClinVar variation 1045278 (VCV001045278.6), dbSNP rs760406360, ClinGen allele CA5858790.
Genomic context (GRCh38, chr11:6,616,355, plus strand): 5'-AGTTTAGGGTAGGAGGTCACCTGAGGCGAAGAGCAGGGTGAGACCCCGAGCGGCAGCCTT[C>T]ATGAGCTCAGTGTTGACCCGCTGGATGTAGGCGCTGCTGAGGGAGTCCTCATCATCTCCA-3'
Protein context (NP_000382.3, residues 335-355): AYIQRVNTEL[Met345Ile]KAAARGLTLL